The following is an entry in ClinVar:

NM_001572.5(IRF7):c.1128G>A (p.Val376=)

Gene: IRF7 (interferon regulatory factor 7; minus strand). Cytogenetic location: 11p15.5.
Variant type: single nucleotide variant.
Coding change: c.1128G>A on transcript NM_001572.5 (MANE Select); coding-DNA position 1128, G replaced by A.
Protein change: p.Val376=; no amino-acid change (valine 376 retained).
Molecular consequence: synonymous variant.
Genome position (GRCh38, 1-based): chr11:613,315, C>T on the plus strand (G>A on the coding strand, the complement: IRF7 is on the minus strand). VCF-style: chr11-613315-C-T. GRCh37 (hg19) VCF-style: chr11-613315-C-T.
Other names: c.1041G>A, p.Val347= (NM_004029.4); c.1167G>A, p.Val389= (NM_004031.4).
Identifiers: ClinVar variation 1970312 (VCV001970312.5), dbSNP rs771649294, ClinGen allele CA5783576.
Genomic context (GRCh38, chr11:613,315, plus strand): 5'-CAGCAGGCAGGCTGGGGTGGAGGGGCTGGCGGAGCCTGGGGGTCCGCCCACCTCCCAGTA[C>T]ACCTTGCACTTGCCCATGCGCCGGGCCCACAGCTGTGGCCCCCGAAGCTCCAGGTGCAAC-3'
Protein context (NP_001563.2, residues 366-386): LWARRMGKCK[Val376=]YWEVGGPPGS

ClinVar aggregate classification (germline): Uncertain significance (1 of 4 stars; one submission).

Conditions:
Immunodeficiency 39 (IMD39). Identifiers: Orphanet 574918, MedGen C4225358, MONDO:0014597, OMIM 616345.

Allele frequency attached by ClinVar (database versions not stated): gnomAD exomes below 0.00001; ExAC 0.00001; TOPMed 0.00001; gnomAD 0.00002.
gnomAD v4.1: 6 of 1,611,798 alleles (0.00037%); highest among the groups gnomAD compares: Admixed American, 0.0067%; no homozygotes.

Submission:

Labcorp Genetics (formerly Invitae), Labcorp
Classification: Uncertain significance for Immunodeficiency 39. Last evaluated: 2023-07-17. Review status: criteria provided, single submitter. Criteria: Invitae Variant Classification Sherloc (09022015). Collection method: clinical testing. Allele origin: germline.
Comment: This variant is present in population databases (rs771649294, gnomAD 0.006%). In summary, the available evidence is currently insufficient to determine the role of this variant in disease. Therefore, it has been classified as a Variant of Uncertain Significance. Algorithms developed to predict the effect of sequence changes on RNA splicing suggest that this variant may create or strengthen a splice site. ClinVar contains an entry for this variant (Variation ID: 1970312). This variant has not been reported in the literature in individuals affected with IRF7-related conditions. This sequence change affects codon 389 of the IRF7 mRNA. It is a 'silent' change, meaning that it does not change the encoded amino acid sequence of the IRF7 protein.